The following is an entry in ClinVar:

ClinVar aggregate classification (germline): Pathogenic/Likely pathogenic. Review status: criteria provided, multiple submitters, no conflicts (2 of 4 stars). 4 submissions from 4 submitters: Pathogenic (2); Likely pathogenic (1). 1 of the submissions does not count toward it. Last evaluated 2024-04-02.

Conditions:
RHO-related disorder. Also called: RHO-related condition.
Retinitis pigmentosa (RP). Identifiers: Orphanet 791, MedGen C0035334, MeSH D012174, MONDO:0019200, OMIM 268000. Inheritance: Autosomal dominant, autosomal recessive and X linked inheritance.
Retinitis pigmentosa 4 (RP4). Also called: RETINITIS PIGMENTOSA, RHODOPSIN-RELATED. Identifiers: Orphanet 791, MedGen C3151001, MONDO:0013395, OMIM 613731.

Submissions (4):

Labcorp Genetics (formerly Invitae), Labcorp
Classification: Pathogenic. Last evaluated: 2024-04-02. Review status: criteria provided, single submitter. Criteria: Invitae Variant Classification Sherloc (09022015). Collection method: clinical testing. Allele origin: germline.
Comment: This sequence change replaces cysteine, which is neutral and slightly polar, with tyrosine, which is neutral and polar, at codon 187 of the RHO protein (p.Cys187Tyr). This variant is not present in population databases (gnomAD no frequency). This missense change has been observed in individuals with autosomal dominant retinitis pigmentosa (PMID: 7724183, 26962691). It has also been observed to segregate with disease in related individuals. ClinVar contains an entry for this variant (Variation ID: 812397). Advanced modeling of protein sequence and biophysical properties (such as structural, functional, and spatial information, amino acid conservation, physicochemical variation, residue mobility, and thermodynamic stability) performed at Invitae indicates that this missense variant is expected to disrupt RHO protein function with a positive predictive value of 80%. Experimental studies have shown that this missense change affects RHO function (PMID: 30240733). For these reasons, this variant has been classified as Pathogenic.

Blueprint Genetics
Classification: Pathogenic for RHO-related disorders. Last evaluated: 2023-06-15. Review status: criteria provided, single submitter. Criteria: ACMG Guidelines, 2015. Collection method: clinical testing. Allele origin: germline. Affected: yes. Observed: 5 variant alleles.

Centre for Genomic Medicine, Manchester, Central Manchester University Hospitals
Classification: Likely pathogenic for Retinitis pigmentosa 4. Last evaluated: 2020-09-01. Review status: criteria provided, single submitter. Criteria: ACMG Guidelines, 2015. Collection method: clinical testing. Allele origin: germline. Affected: yes. Observed: 1 heterozygote.

Sharon lab, Hadassah-Hebrew University Medical Center
Classification: Likely pathogenic for Retinitis pigmentosa. Last evaluated: 2019-06-23. Review status: no assertion criteria provided. Collection method: research. Allele origin: inherited. Affected: yes. Not counted in ClinVar's aggregate classification.

Literature cited by the submitters: PubMed 7724183 (cited by Labcorp Genetics (formerly Invitae), Labcorp); PubMed 26962691 (cited by Labcorp Genetics (formerly Invitae), Labcorp); PubMed 30240733 (cited by Labcorp Genetics (formerly Invitae), Labcorp).

NM_000539.3(RHO):c.560G>A (p.Cys187Tyr)

Gene: RHO (rhodopsin; plus strand). Cytogenetic location: 3q22.1.
Variant type: single nucleotide variant.
Coding change: c.560G>A on transcript NM_000539.3 (MANE Select); coding-DNA position 560, G replaced by A.
Protein change: p.Cys187Tyr; replaces cysteine 187 with tyrosine.
Molecular consequence: missense variant.
Genome position (GRCh38, 1-based): chr3:129,532,280, G>A. VCF-style: chr3-129532280-G-A. GRCh37 (hg19) VCF-style: chr3-129251123-G-A.
Other names: short protein forms C187Y.
Identifiers: ClinVar variation 812397 (VCV000812397.12), dbSNP rs1578280588, ClinGen allele CA354499244.